The following is an entry in ClinVar:

ClinVar aggregate classification (germline): Uncertain significance (1 of 4 stars; one submission).

gnomAD v4.1: 1 of 1,610,876 alleles (0.000062%); no homozygotes.

Submission:

Women's Health and Genetics/Laboratory Corporation of America, LabCorp
Classification: Uncertain significance. Last evaluated: 2026-06-02. Review status: criteria provided, single submitter. Criteria: LabCorp Variant Classification Summary - May 2015. Collection method: clinical testing. Allele origin: germline.
Comment: Variant summary: COQ2 c.724G>T (p.Val242Phe) results in a non-conservative amino acid change in the encoded protein sequence. Algorithms developed to predict the effect of missense changes on protein structure and function all suggest that this variant is likely to be disruptive. The variant was absent in 246094 control chromosomes. The available data on variant occurrences in the general population are insufficient to allow any conclusion about variant significance. To our knowledge, no occurrence of c.724G>T in individuals affected with COQ2-related conditions and no experimental evidence demonstrating its impact on protein function have been reported. No submitters have cited clinical-significance assessments for this variant to ClinVar. Based on the evidence outlined above, the variant was classified as uncertain significance.

NM_001358921.2(COQ2):c.574G>T (p.Val192Phe)

Gene: COQ2 (coenzyme Q2, polyprenyltransferase; minus strand). Cytogenetic location: 4q21.23.
Variant type: single nucleotide variant.
Coding change: c.574G>T on transcript NM_001358921.2 (MANE Select); coding-DNA position 574, G replaced by T.
Protein change: p.Val192Phe; replaces valine 192 with phenylalanine.
Molecular consequence: missense variant.
Genome position (GRCh38, 1-based): chr4:83,272,141, C>A on the plus strand (G>T on the coding strand, the complement: COQ2 is on the minus strand). VCF-style: chr4-83272141-C-A. GRCh37 (hg19) VCF-style: chr4-84193294-C-A.
Other names: c.724G>T, p.Val242Phe (NM_015697.9); short protein forms V192F, V242F.
Identifiers: ClinVar variation 4887586 (VCV004887586.1).